The following is an entry in ClinVar:

ClinVar aggregate classification (germline): Likely pathogenic (1 of 4 stars; one submission).

Conditions:
Diabetes mellitus, permanent neonatal 3. Also called: ABCC8-Related Permanent Neonatal Diabetes Mellitus. Identifiers: MedGen C5394303, MONDO:0030088, OMIM 618857.
Hyperinsulinemic hypoglycemia, familial, 1 (HHF1). Also called: HYPERINSULINISM, FAMILIAL, WITH PANCREATIC NESIDIOBLASTOSIS; HYPOGLYCEMIA, HYPERINSULINEMIC, OF INFANCY; NESIDIOBLASTOSIS OF PANCREAS; Persistent hyperinsulinemic hypoglycemia of infancy; Persistent Hyperinsulinemia Hypoglycemia of Infancy. Identifiers: Orphanet 276575, Orphanet 276598, MedGen C2931832, MONDO:0009734, OMIM 256450.
Leucine-induced hypoglycemia (LIH). Also called: LEUCINE-SENSITIVE HYPOGLYCEMIA OF INFANCY. Identifiers: MedGen C0271714, MONDO:0009415, OMIM 240800.
Type 2 diabetes mellitus. Also called: Type II diabetes mellitus. Identifiers: MedGen C0011860, MeSH D003924, MONDO:0005148, OMIM 125853, HP:0005978.
Diabetes mellitus, transient neonatal, 2 (TNDM2). Identifiers: Orphanet 99886, MedGen C1835887, MONDO:0012480, OMIM 610374. Disease mechanism: loss of function.

gnomAD v4.1: 1 of 1,614,248 alleles (0.000062%); highest among the groups gnomAD compares: Non-Finnish European, 0.000085%; no homozygotes.

Submission:

Juno Genomics, Hangzhou Juno Genomics, Inc
Classification: Likely pathogenic for Type 2 diabetes mellitus; Diabetes mellitus, permanent neonatal 3; Diabetes mellitus, transient neonatal, 2; Hyperinsulinemic hypoglycemia, familial, 1; Leucine-induced hypoglycemia. Review status: criteria provided, single submitter. Criteria: ACMG Guidelines, 2015. Collection method: clinical testing. Allele origin: germline.
Comment: Null variant in a gene where loss of function (LOF) is a known mechanism of disease.;Absent from controls (or at extremely low frequency if recessive) in Genome Aggregation Database.

NM_000352.6(ABCC8):c.3586C>T (p.Gln1196Ter)

Gene: ABCC8 (ATP binding cassette subfamily C member 8; minus strand). Cytogenetic location: 11p15.1.
Variant type: single nucleotide variant.
Coding change: c.3586C>T on transcript NM_000352.6 (MANE Select); coding-DNA position 3586, C replaced by T.
Protein change: p.Gln1196Ter; replaces glutamine 1196 with a stop codon.
Molecular consequence: nonsense. On other transcripts: non-coding transcript variant (1).
Genome position (GRCh38, 1-based): chr11:17,402,725, G>A on the plus strand (C>T on the coding strand, the complement: ABCC8 is on the minus strand). VCF-style: chr11-17402725-G-A. GRCh37 (hg19) VCF-style: chr11-17424272-G-A.
Other names: c.3589C>T, p.Gln1197Ter (NM_001287174.3); c.3652C>T, p.Gln1218Ter (NM_001351295.2); c.3586C>T, p.Gln1196Ter (NM_001351296.2); c.3583C>T, p.Gln1195Ter (NM_001351297.2); short protein forms Q1195*, Q1196*, Q1197*, Q1218*.
Identifiers: ClinVar variation 5007825 (VCV005007825.2).